The following is an entry in ClinVar:

NM_001256317.3(TMPRSS3):c.1191+156C>G

Gene: TMPRSS3 (transmembrane serine protease 3; minus strand). Cytogenetic location: 21q22.3.
Variant type: single nucleotide variant.
Coding change: c.1191+156C>G on transcript NM_001256317.3 (MANE Select); 156 bases into the intron after coding-DNA position 1191, C replaced by G.
Molecular consequence: intron variant.
Genome position (GRCh38, 1-based): chr21:42,376,385, G>C on the plus strand (C>G on the coding strand, the complement: TMPRSS3 is on the minus strand). VCF-style: chr21-42376385-G-C. GRCh37 (hg19) VCF-style: chr21-43796494-G-C.
Other names: c.1194+156C>G (NM_024022.4); c.813+156C>G (NM_032404.3).
Identifiers: ClinVar variation 1225583 (VCV001225583.4), dbSNP rs2839494, ClinGen allele CA14880879.

ClinVar aggregate classification (germline): Benign. Review status: criteria provided, multiple submitters, no conflicts (2 of 4 stars). 2 submissions from 2 submitters: Benign (2). Last evaluated 2018-11-12.

Allele frequency attached by ClinVar (database versions not stated): gnomAD 0.56473 and 0.56849; TOPMed 0.58492; 1000 Genomes Project 0.61641; 1000 Genomes Project 30x 0.62258.
gnomAD v4.1: 85,716 of 152,140 alleles (56%); highest among the groups gnomAD compares: African/African-American, 86%; 26,920 homozygotes.

Submissions (2):

GeneDx
Classification: Benign. Last evaluated: 2018-11-12. Review status: criteria provided, single submitter. Criteria: GeneDx Variant Classification Process June 2021. Collection method: clinical testing. Allele origin: germline. Affected: yes.
Comment: This variant is associated with the following publications: (PMID: 25298020)

Breakthrough Genomics
Classification: Benign. Review status: criteria provided, single submitter. Criteria: ACMG Guidelines, 2015. Collection method: not provided. Allele origin: germline. Inheritance: Autosomal recessive inheritance. Affected: yes.